The following is an entry in ClinVar:

NM_001330260.2(SCN8A):c.5897G>A (p.Arg1966Lys)

Gene: SCN8A (sodium voltage-gated channel alpha subunit 8; plus strand). Cytogenetic location: 12q13.13.
Variant type: single nucleotide variant.
Coding change: c.5897G>A on transcript NM_001330260.2 (MANE Select); coding-DNA position 5897, G replaced by A.
Protein change: p.Arg1966Lys; replaces arginine 1966 with lysine.
Molecular consequence: missense variant.
Genome position (GRCh38, 1-based): chr12:51,807,383, G>A. VCF-style: chr12-51807383-G-A. GRCh37 (hg19) VCF-style: chr12-52201167-G-A.
Other names: c.5774G>A, p.Arg1925Lys (NM_001177984.3, NM_001369788.1); c.5897G>A, p.Arg1966Lys (NM_014191.4); short protein forms R1925K, R1966K.
Identifiers: ClinVar variation 2631031 (VCV002631031.1), dbSNP rs754304142, ClinGen allele CA384890373.

ClinVar aggregate classification (germline): Uncertain significance (1 of 4 stars; one submission).

Conditions:
SCN8A-related disorder.

gnomAD v4.1: 1 of 1,613,188 alleles (0.000062%); highest among the groups gnomAD compares: Non-Finnish European, 0.000085%; no homozygotes.

Submission:

PreventionGenetics, part of Exact Sciences
Classification: Uncertain significance for SCN8A-related condition. Last evaluated: 2023-09-26. Review status: criteria provided, single submitter. Criteria: ACMG Guidelines, 2015. Collection method: clinical testing. Allele origin: germline.
Comment: The SCN8A c.5897G>A variant is predicted to result in the amino acid substitution p.Arg1966Lys. To our knowledge, this variant has not been reported in the literature or in a large population database, indicating this variant is rare. At this time, the clinical significance of this variant is uncertain due to the absence of conclusive functional and genetic evidence.